The following is an entry in ClinVar:

ClinVar aggregate classification (germline): Uncertain significance (1 of 4 stars; one submission).

Conditions:
Hereditary cancer-predisposing syndrome. Also called: Neoplastic Syndromes, Hereditary; Tumor predisposition; Hereditary neoplastic syndrome; Hereditary Cancer Syndrome. Identifiers: Orphanet 140162, MedGen C0027672, MeSH D009386, MONDO:0015356.

Submission:

Ambry Genetics
Classification: Uncertain significance for Hereditary cancer-predisposing syndrome. Last evaluated: 2026-07-26. Review status: criteria provided, single submitter. Criteria: Ambry Variant Classification Scheme 2023. Collection method: clinical testing. Allele origin: germline.
Comment: The p.E374K variant (also known as c.1120G>A), located in coding exon 10 of the MRE11A gene, results from a G to A substitution at nucleotide position 1120. The glutamic acid at codon 374 is replaced by lysine, an amino acid with similar properties. This amino acid position is conserved. In addition, the in silico prediction for this alteration is inconclusive. Based on the available evidence, the clinical significance of this variant remains unclear.

NM_005591.4(MRE11):c.1120G>A (p.Glu374Lys)

Gene: MRE11 (MRE11 double strand break repair nuclease; minus strand). Cytogenetic location: 11q21.
Variant type: single nucleotide variant.
Coding change: c.1120G>A on transcript NM_005591.4 (MANE Select); coding-DNA position 1120, G replaced by A.
Protein change: p.Glu374Lys; replaces glutamic acid 374 with lysine.
Molecular consequence: missense variant.
Genome position (GRCh38, 1-based): chr11:94,464,218, C>T on the plus strand (G>A on the coding strand, the complement: MRE11 is on the minus strand). VCF-style: chr11-94464218-C-T. GRCh37 (hg19) VCF-style: chr11-94197384-C-T.
Other names: c.775G>A, p.Glu259Lys (NM_001440483.1, NM_001440484.1, NM_001440482.1); c.652G>A, p.Glu218Lys (NM_001440485.1, NM_001440486.1, NM_001440487.1); c.1120G>A, p.Glu374Lys (NM_005590.4, NM_001330347.2, NM_001440460.1 and 15 more transcripts); c.1045G>A, p.Glu349Lys (NM_001440471.1, NM_001440472.1, NM_001440479.1); c.1039G>A, p.Glu347Lys (NM_001440473.1, NM_001440477.1, NM_001440478.1); short protein forms E374K, E347K, E259K, E349K, E218K.
Identifiers: ClinVar variation 5024681 (VCV005024681.1).